The following is an entry in ClinVar:

ClinVar aggregate classification (germline): Uncertain significance (1 of 4 stars; one submission).

gnomAD v4.1: 1 of 1,613,768 alleles (0.000062%); highest among the groups gnomAD compares: Non-Finnish European, 0.000085%; no homozygotes.

Submission:

GeneDx
Classification: Uncertain significance. Last evaluated: 2019-11-01. Review status: criteria provided, single submitter. Criteria: GeneDx Variant Classification Process June 2021. Collection method: clinical testing. Allele origin: germline. Affected: yes.
Comment: Not observed in large population cohorts (Lek et al., 2016); In silico analysis, which includes protein predictors and evolutionary conservation, supports that this variant does not alter protein structure/function; Has not been previously published as pathogenic or benign to our knowledge

NM_014727.3(KMT2B):c.7309A>T (p.Thr2437Ser)

Gene: KMT2B (lysine methyltransferase 2B; plus strand). Cytogenetic location: 19q13.12.
Variant type: single nucleotide variant.
Coding change: c.7309A>T on transcript NM_014727.3 (MANE Select); coding-DNA position 7309, A replaced by T.
Protein change: p.Thr2437Ser; replaces threonine 2437 with serine.
Molecular consequence: missense variant.
Genome position (GRCh38, 1-based): chr19:35,736,923, A>T. VCF-style: chr19-35736923-A-T. GRCh37 (hg19) VCF-style: chr19-36227824-A-T.
Other names: short protein forms T2437S.
Identifiers: ClinVar variation 1304925 (VCV001304925.2), dbSNP rs2146479298, ClinGen allele CA405435892.